The following is an entry in ClinVar:

ClinVar aggregate classification (germline): Uncertain significance (1 of 4 stars; one submission).

Conditions:
Cohen syndrome (COH1). Also called: PEPPER SYNDROME; Cutis verticis gyrata, retinitis pigmentosa, and sensorineural deafness. Identifiers: Orphanet 193, MedGen C0265223, MONDO:0008999, OMIM 216550.

Allele frequency attached by ClinVar (database versions not stated): TOPMed below 0.00001; gnomAD exomes 0.00001.
gnomAD v4.1: 11 of 1,613,906 alleles (0.00068%); highest among the groups gnomAD compares: Non-Finnish European, 0.00085%; no homozygotes.

Submission:

Labcorp Genetics (formerly Invitae), Labcorp
Classification: Uncertain significance for Cohen syndrome. Last evaluated: 2021-12-08. Review status: criteria provided, single submitter. Criteria: Invitae Variant Classification Sherloc (09022015). Collection method: clinical testing. Allele origin: germline.
Comment: In summary, the available evidence is currently insufficient to determine the role of this variant in disease. Therefore, it has been classified as a Variant of Uncertain Significance. Algorithms developed to predict the effect of missense changes on protein structure and function are either unavailable or do not agree on the potential impact of this missense change (SIFT: "Not Available"; PolyPhen-2: "Possibly Damaging"; Align-GVGD: "Not Available"). ClinVar contains an entry for this variant (Variation ID: 1014770). This variant has not been reported in the literature in individuals affected with VPS13B-related conditions. This variant is not present in population databases (gnomAD no frequency). This sequence change replaces alanine, which is neutral and non-polar, with valine, which is neutral and non-polar, at codon 3013 of the VPS13B protein (p.Ala3013Val).

NM_152564.5(VPS13B):c.8963C>T (p.Ala2988Val)

Gene: VPS13B (vacuolar protein sorting 13 homolog B; plus strand). Cytogenetic location: 8q22.2.
Variant type: single nucleotide variant.
Coding change: c.8963C>T on transcript NM_152564.5 (MANE Select); coding-DNA position 8963, C replaced by T.
Protein change: p.Ala2988Val; replaces alanine 2988 with valine.
Molecular consequence: missense variant.
Genome position (GRCh38, 1-based): chr8:99,820,091, C>T. VCF-style: chr8-99820091-C-T. GRCh37 (hg19) VCF-style: chr8-100832319-C-T.
Other names: c.9038C>T, p.Ala3013Val (NM_017890.5); short protein forms A2988V, A3013V.
Identifiers: ClinVar variation 1014770 (VCV001014770.5), dbSNP rs1814277012, ClinGen allele CA371777349.